The following is an entry in ClinVar:

ClinVar aggregate classification (germline): Uncertain significance (1 of 4 stars; one submission).

gnomAD v4.1: 3 of 1,613,228 alleles (0.00019%); highest among the groups gnomAD compares: African/African-American, 0.0027%; no homozygotes.

Submission:

Ambry Genetics
Classification: Uncertain significance. Last evaluated: 2025-11-17. Review status: criteria provided, single submitter. Criteria: Ambry Variant Classification Scheme 2023. Collection method: clinical testing. Allele origin: germline.
Comment: The p.Q1152E variant (also known as c.3454C>G), located in coding exon 30 of the KIF1B gene, results from a C to G substitution at nucleotide position 3454. The glutamine at codon 1152 is replaced by glutamic acid, an amino acid with highly similar properties. This amino acid position is conserved. In addition, the in silico prediction for this alteration is inconclusive. Based on the available evidence, the clinical significance of this variant remains unclear.

NM_001365951.3(KIF1B):c.3592C>G (p.Gln1198Glu)

Gene: KIF1B (kinesin family member 1B; plus strand). Cytogenetic location: 1p36.22.
Variant type: single nucleotide variant.
Coding change: c.3592C>G on transcript NM_001365951.3 (MANE Select); coding-DNA position 3592, C replaced by G.
Protein change: p.Gln1198Glu; replaces glutamine 1198 with glutamic acid.
Molecular consequence: missense variant.
Genome position (GRCh38, 1-based): chr1:10,342,128, C>G. VCF-style: chr1-10342128-C-G. GRCh37 (hg19) VCF-style: chr1-10402186-C-G.
Other names: c.3592C>G, p.Gln1198Glu (NM_001365952.1); c.3454C>G, p.Gln1152Glu (NM_015074.3); short protein forms Q1152E, Q1198E.
Identifiers: ClinVar variation 4543675 (VCV004543675.1).